The following is an entry in ClinVar:

ClinVar aggregate classification (germline): Uncertain significance. Review status: criteria provided, multiple submitters, no conflicts (2 of 4 stars). 3 submissions from 3 submitters: Uncertain significance (3). Last evaluated 2025-12-28.

Conditions:
VPS13B-related disorder. Also called: VPS13B-related condition.
Cohen syndrome (COH1). Also called: Cutis verticis gyrata, retinitis pigmentosa, and sensorineural deafness; PEPPER SYNDROME. Identifiers: Orphanet 193, MedGen C0265223, MONDO:0008999, OMIM 216550.

Allele frequency attached by ClinVar (database versions not stated): gnomAD exomes 0.00001; ExAC 0.00002.
gnomAD v4.1: 7 of 1,613,390 alleles (0.00043%); highest among the groups gnomAD compares: Admixed American, 0.0033%; no homozygotes.

Submissions (3):

PreventionGenetics, part of Exact Sciences
Classification: Uncertain significance for VPS13B-related condition. Last evaluated: 2025-12-28. Review status: criteria provided, single submitter. Criteria: ACMG Guidelines, 2015. Collection method: clinical testing. Allele origin: germline.
Comment: The VPS13B c.2514A>G variant is predicted to result in the amino acid substitution p.Ile838Met. To our knowledge, this variant has not been reported in the literature. This variant is reported in 0.0058% of alleles in individuals of Latino descent in gnomAD. At this time, the clinical significance of this variant is uncertain due to the absence of conclusive functional and genetic evidence.

Labcorp Genetics (formerly Invitae), Labcorp
Classification: Uncertain significance for Cohen syndrome. Last evaluated: 2022-08-21. Review status: criteria provided, single submitter. Criteria: Invitae Variant Classification Sherloc (09022015). Collection method: clinical testing. Allele origin: germline.
Comment: This sequence change replaces isoleucine, which is neutral and non-polar, with methionine, which is neutral and non-polar, at codon 838 of the VPS13B protein (p.Ile838Met). This variant is present in population databases (rs763636307, gnomAD 0.01%). This variant has not been reported in the literature in individuals affected with VPS13B-related conditions. Algorithms developed to predict the effect of missense changes on protein structure and function are either unavailable or do not agree on the potential impact of this missense change (SIFT: "Not Available"; PolyPhen-2: "Benign"; Align-GVGD: "Not Available"). In summary, the available evidence is currently insufficient to determine the role of this variant in disease. Therefore, it has been classified as a Variant of Uncertain Significance.

GeneDx
Classification: Uncertain significance. Last evaluated: 2022-06-14. Review status: criteria provided, single submitter. Criteria: GeneDx Variant Classification Process June 2021. Collection method: clinical testing. Allele origin: germline. Affected: yes.
Comment: Not observed at significant frequency in large population cohorts (gnomAD); In silico analysis supports that this missense variant does not alter protein structure/function; Has not been previously published as pathogenic or benign to our knowledge

NM_152564.5(VPS13B):c.2514A>G (p.Ile838Met)

Gene: VPS13B (vacuolar protein sorting 13 homolog B; plus strand). Cytogenetic location: 8q22.2.
Variant type: single nucleotide variant.
Coding change: c.2514A>G on transcript NM_152564.5 (MANE Select); coding-DNA position 2514, A replaced by G.
Protein change: p.Ile838Met; replaces isoleucine 838 with methionine.
Molecular consequence: missense variant.
Genome position (GRCh38, 1-based): chr8:99,193,056, A>G. VCF-style: chr8-99193056-A-G. GRCh37 (hg19) VCF-style: chr8-100205284-A-G.
Other names: c.2514A>G, p.Ile838Met (NM_015243.3, NM_017890.5); short protein forms I838M.
Identifiers: ClinVar variation 1804627 (VCV001804627.5), dbSNP rs763636307, ClinGen allele CA4822915.
Genomic context (GRCh38, chr8:99,193,056, plus strand): 5'-TGGAAATGTCAGCTCTTCCGCAGTGATTGAAGCTTTGATAAATGAAATCTTCCTAAGTAT[A>G]GGTAAGAGCACAGTCTTTTTGATAACTATATGGAAAATTTGTGTTAGAGGCAACTAATAT-3'
Protein context (NP_689777.3, residues 828-848): EALINEIFLS[Ile838Met]GVKSKNPLPT